The following is an entry in ClinVar:

ClinVar aggregate classification (germline): Uncertain significance (1 of 4 stars; one submission).

Submission:

Labcorp Genetics (formerly Invitae), Labcorp
Classification: Uncertain significance. Last evaluated: 2023-04-09. Review status: criteria provided, single submitter. Criteria: Invitae Variant Classification Sherloc (09022015). Collection method: clinical testing. Allele origin: germline.
Comment: In summary, the available evidence is currently insufficient to determine the role of this variant in disease. Therefore, it has been classified as a Variant of Uncertain Significance. Advanced modeling of protein sequence and biophysical properties (such as structural, functional, and spatial information, amino acid conservation, physicochemical variation, residue mobility, and thermodynamic stability) has been performed at Invitae for this missense variant, however the output from this modeling did not meet the statistical confidence thresholds required to predict the impact of this variant on LRP6 protein function. This variant has not been reported in the literature in individuals affected with LRP6-related conditions. This variant is not present in population databases (gnomAD no frequency). This sequence change replaces glycine, which is neutral and non-polar, with arginine, which is basic and polar, at codon 768 of the LRP6 protein (p.Gly768Arg).

NM_002336.3(LRP6):c.2302G>C (p.Gly768Arg)

Gene: LRP6 (LDL receptor related protein 6; minus strand). Cytogenetic location: 12p13.2.
Variant type: single nucleotide variant.
Coding change: c.2302G>C on transcript NM_002336.3 (MANE Select); coding-DNA position 2302, G replaced by C.
Protein change: p.Gly768Arg; replaces glycine 768 with arginine.
Molecular consequence: missense variant. On other transcripts: non-coding transcript variant (1).
Genome position (GRCh38, 1-based): chr12:12,159,942, C>G on the plus strand (G>C on the coding strand, the complement: LRP6 is on the minus strand). VCF-style: chr12-12159942-C-G. GRCh37 (hg19) VCF-style: chr12-12312876-C-G.
Other names: c.1849G>C, p.Gly617Arg (NM_001414254.1, NM_001414252.1, NM_001414253.1); c.1795G>C, p.Gly599Arg (NM_001414255.1); c.2302G>C, p.Gly768Arg (NM_001414244.1, NM_001414245.1, NM_001414246.1 and 4 more transcripts); c.2104G>C, p.Gly702Arg (NM_001414247.1); short protein forms G599R, G617R, G768R, G702R.
Identifiers: ClinVar variation 2786118 (VCV002786118.3), dbSNP rs2498834489, ClinGen allele CA383944788.
Genomic context (GRCh38, chr12:12,159,942, plus strand): 5'-GAACTAAGGTAGTACGTTCACTTCCATCCATTGCAGCTCTGTCTATCTTAGGTTTTCCAC[C>G]CCATTCAGTCCAATACATAAATCTAAATTCAAAATAATAAATATTTAACATTTCAATTTT-3'
Protein context (NP_002327.2, residues 758-778): AEGFMYWTEW[Gly768Arg]GKPKIDRAAM